The following is an entry in ClinVar:

NM_000138.5(FBN1):c.4987T>C (p.Cys1663Arg)

Gene: FBN1 (fibrillin 1; minus strand). Cytogenetic location: 15q21.1.
Variant type: single nucleotide variant.
Coding change: c.4987T>C on transcript NM_000138.5 (MANE Select); coding-DNA position 4987, T replaced by C.
Protein change: p.Cys1663Arg; replaces cysteine 1663 with arginine.
Molecular consequence: missense variant.
Genome position (GRCh38, 1-based): chr15:48,463,977, A>G on the plus strand (T>C on the coding strand, the complement: FBN1 is on the minus strand). VCF-style: chr15-48463977-A-G. GRCh37 (hg19) VCF-style: chr15-48756174-A-G.
Other names: short protein forms C1663R.
Identifiers: ClinVar variation 16426 (VCV000016426.4), dbSNP rs137854459, ClinGen allele CA015538.

ClinVar aggregate classification (germline): Pathogenic. Review status: criteria provided, single submitter (1 of 4 stars). 2 submissions from 2 submitters: Pathogenic (1). 1 of the submissions does not count toward it. Last evaluated 2025-10-29.

Conditions:
Familial thoracic aortic aneurysm and aortic dissection (TAAD). Also called: Thoracic aortic aneurysms and dissections. Identifiers: Orphanet 91387, MedGen C4707243, MONDO:0019625.
Marfan syndrome (MFS). Also called: FBN1-Related Marfan Syndrome; Marfan syndrome type 1; Marfan's syndrome; Marfan syndrome, classic; MARFAN SYNDROME, TYPE I. Identifiers: Orphanet 284963, Orphanet 558, MedGen C0024796, MONDO:0007947, OMIM 154700.

Submissions (2):

Labcorp Genetics (formerly Invitae), Labcorp
Classification: Pathogenic for Marfan syndrome; Familial thoracic aortic aneurysm and aortic dissection. Last evaluated: 2025-10-29. Review status: criteria provided, single submitter. Criteria: Invitae Variant Classification Sherloc (09022015). Collection method: clinical testing. Allele origin: germline.
Comment: This sequence change replaces cysteine, which is neutral and slightly polar, with arginine, which is basic and polar, at codon 1663 of the FBN1 protein (p.Cys1663Arg). This variant is not present in population databases (gnomAD no frequency). This missense change has been observed in individuals with clinical features of Marfan syndrome (PMID: 1301946, 9907982). ClinVar contains an entry for this variant (Variation ID: 16426). Invitae Evidence Modeling of protein sequence and biophysical properties (such as structural, functional, and spatial information, amino acid conservation, physicochemical variation, residue mobility, and thermodynamic stability) indicates that this missense variant is expected to disrupt FBN1 protein function with a positive predictive value of 95%. This variant affects a cysteine residue in the EGF-like, TGFBP or hybrid motif domains of FBN1. Cysteine residues are believed to be involved in intramolecular disulfide bridges and have been shown to be important for FBN1 protein structure (PMID: 16905551, 19349279). In addition, missense substitutions affecting cysteine residues within these domains are significantly overrepresented among patients with Marfan syndrome (PMID: 16571647, 17701892). For these reasons, this variant has been classified as Pathogenic.

OMIM
Classification: Pathogenic for MARFAN SYNDROME. Last evaluated: 2023-08-11. Review status: no assertion criteria provided. Collection method: literature only. Allele origin: germline. Not counted in ClinVar's aggregate classification.

Literature cited by the submitters: PubMed 1301946 (cited by Labcorp Genetics (formerly Invitae), Labcorp); PubMed 9907982 (cited by Labcorp Genetics (formerly Invitae), Labcorp); PubMed 16905551 (cited by Labcorp Genetics (formerly Invitae), Labcorp); PubMed 19349279 (cited by Labcorp Genetics (formerly Invitae), Labcorp); PubMed 16571647 (cited by Labcorp Genetics (formerly Invitae), Labcorp); PubMed 17701892 (cited by Labcorp Genetics (formerly Invitae), Labcorp); Dietz, H. C., Sood, I., McIntosh, I. The phenotypic continuum associated with FBN1 mutations includes the Shprintzen-Goldberg syndrome. (Abstract) Am. J. Hum. Genet. 57: A211, 1995. (cited by OMIM).